The following is an entry in ClinVar:

NM_015192.4(PLCB1):c.520A>G (p.Ile174Val)

Gene: PLCB1 (phospholipase C beta 1; plus strand). Cytogenetic location: 20p12.3.
Variant type: single nucleotide variant.
Coding change: c.520A>G on transcript NM_015192.4 (MANE Select); coding-DNA position 520, A replaced by G.
Protein change: p.Ile174Val; replaces isoleucine 174 with valine.
Molecular consequence: missense variant.
Genome position (GRCh38, 1-based): chr20:8,649,375, A>G. VCF-style: chr20-8649375-A-G. GRCh37 (hg19) VCF-style: chr20-8630022-A-G.
Other names: c.520A>G, p.Ile174Val (NM_182734.3); short protein forms I174V.
Identifiers: ClinVar variation 857047 (VCV000857047.10), dbSNP rs748138827, ClinGen allele CA9759730.
Genomic context (GRCh38, chr20:8,649,375, plus strand): 5'-TTAGTGCTGTGATCCATGTGCCATTTAAACCTCTCTCCTTTGTTGTGTTCACTTCACAGC[A>G]TATATCGCTTGTTTTCAGCAGATCGGAAGCGAGTTGAAACTGCTTTAGAGGCTTGTAGTC-3'
Protein context (NP_056007.1, residues 164-184): TPEGRIPLKN[Ile174Val]YRLFSADRKR

ClinVar aggregate classification (germline): Uncertain significance (1 of 4 stars; one submission).

Conditions:
Developmental and epileptic encephalopathy, 12 (DEE12). Identifiers: MedGen C3150988, MONDO:0013389, OMIM 613722.

Allele frequency attached by ClinVar (database versions not stated): gnomAD exomes below 0.00001; ExAC 0.00001; TOPMed 0.00001.
gnomAD v4.1: 5 of 1,612,270 alleles (0.00031%); highest among the groups gnomAD compares: Non-Finnish European, 0.00042%; no homozygotes.

Submission:

Labcorp Genetics (formerly Invitae), Labcorp
Classification: Uncertain significance for Developmental and epileptic encephalopathy, 12. Last evaluated: 2022-02-05. Review status: criteria provided, single submitter. Criteria: Invitae Variant Classification Sherloc (09022015). Collection method: clinical testing. Allele origin: germline.
Comment: This sequence change replaces isoleucine, which is neutral and non-polar, with valine, which is neutral and non-polar, at codon 174 of the PLCB1 protein (p.Ile174Val). This variant is present in population databases (rs748138827, gnomAD 0.0009%). This variant has not been reported in the literature in individuals affected with PLCB1-related conditions. ClinVar contains an entry for this variant (Variation ID: 857047). Algorithms developed to predict the effect of missense changes on protein structure and function output the following: SIFT: "Tolerated"; PolyPhen-2: "Benign"; Align-GVGD: "Class C0". The valine amino acid residue is found in multiple mammalian species, which suggests that this missense change does not adversely affect protein function. In summary, the available evidence is currently insufficient to determine the role of this variant in disease. Therefore, it has been classified as a Variant of Uncertain Significance.